The following is an entry in ClinVar:

ClinVar aggregate classification (germline): Uncertain significance (1 of 4 stars; one submission).

Conditions:
Neuropathy, hereditary sensory and autonomic, type 2A (HSAN2A). Also called: ACROOSTEOLYSIS, GIACCAI TYPE; ACROOSTEOLYSIS, NEUROGENIC; MORVAN DISEASE; NEUROPATHY, CONGENITAL SENSORY; NEUROPATHY, HEREDITARY SENSORY RADICULAR, AUTOSOMAL RECESSIVE; NEUROPATHY, HEREDITARY SENSORY, TYPE IIA. Identifiers: Orphanet 970, MedGen C2752089, MONDO:0024309, OMIM 201300.
Pseudohypoaldosteronism type 2C (PHA2C). Also called: Pseudohypoaldosteronism Type IIC. Identifiers: Orphanet 757, Orphanet 88940, MedGen C1840391, MONDO:0013778, OMIM 614492.

Submission:

Labcorp Genetics (formerly Invitae), Labcorp
Classification: Uncertain significance for Neuropathy, hereditary sensory and autonomic, type 2A; Pseudohypoaldosteronism type 2C. Last evaluated: 2025-10-21. Review status: criteria provided, single submitter. Criteria: Invitae Variant Classification Sherloc (09022015). Collection method: clinical testing. Allele origin: germline.
Comment: This sequence change replaces glutamic acid, which is acidic and polar, with glycine, which is neutral and non-polar, at codon 1459 of the WNK1 protein (p.Glu1459Gly). This variant is not present in population databases (gnomAD no frequency). This variant has not been reported in the literature in individuals affected with WNK1-related conditions. Invitae Evidence Modeling of protein sequence and biophysical properties (such as structural, functional, and spatial information, amino acid conservation, physicochemical variation, residue mobility, and thermodynamic stability) indicates that this missense variant is not expected to disrupt WNK1 protein function with a negative predictive value of 95%. In summary, the available evidence is currently insufficient to determine the role of this variant in disease. Therefore, it has been classified as a Variant of Uncertain Significance.

NM_018979.4(WNK1):c.3620A>G (p.Glu1207Gly)

Gene: WNK1 (WNK lysine deficient protein kinase 1; plus strand). Cytogenetic location: 12p13.33.
Variant type: single nucleotide variant.
Coding change: c.3620A>G on transcript NM_018979.4 (MANE Select); coding-DNA position 3620, A replaced by G.
Protein change: p.Glu1207Gly; replaces glutamic acid 1207 with glycine.
Molecular consequence: missense variant.
Genome position (GRCh38, 1-based): chr12:883,525, A>G. VCF-style: chr12-883525-A-G. GRCh37 (hg19) VCF-style: chr12-992691-A-G.
Other names: c.4376A>G, p.Glu1459Gly (NM_213655.5); c.4400A>G, p.Glu1467Gly (NM_001184985.2); c.2879A>G, p.Glu960Gly (NM_014823.3); short protein forms E1459G, E1207G, E960G, E1467G.
Identifiers: ClinVar variation 4793415 (VCV004793415.1).